The following is an entry in ClinVar:

ClinVar aggregate classification (germline): Uncertain significance (1 of 4 stars; one submission).

Submission:

GeneDx
Classification: Uncertain significance. Last evaluated: 2025-06-23. Review status: criteria provided, single submitter. Criteria: GeneDx Variant Classification Process June 2021. Collection method: clinical testing. Allele origin: germline. Affected: yes.
Comment: Not observed at significant frequency in large population cohorts (gnomAD); In silico analysis suggests that this missense variant does not alter protein structure/function; Has not been previously published as pathogenic or benign to our knowledge

NM_014991.6(WDFY3):c.6304C>G (p.Gln2102Glu)

Gene: WDFY3 (WD repeat and FYVE domain containing 3; minus strand). Cytogenetic location: 4q21.23.
Variant type: single nucleotide variant.
Coding change: c.6304C>G on transcript NM_014991.6 (MANE Select); coding-DNA position 6304, C replaced by G.
Protein change: p.Gln2102Glu; replaces glutamine 2102 with glutamic acid.
Molecular consequence: missense variant.
Genome position (GRCh38, 1-based): chr4:84,740,347, G>C on the plus strand (C>G on the coding strand, the complement: WDFY3 is on the minus strand). VCF-style: chr4-84740347-G-C. GRCh37 (hg19) VCF-style: chr4-85661500-G-C.
Other names: short protein forms Q2102E.
Identifiers: ClinVar variation 4540330 (VCV004540330.1).